The following is an entry in ClinVar:

NM_015213.4(DENND5A):c.974C>T (p.Ala325Val)

Gene: DENND5A (DENN domain containing 5A; minus strand). Cytogenetic location: 11p15.4.
Variant type: single nucleotide variant.
Coding change: c.974C>T on transcript NM_015213.4 (MANE Select); coding-DNA position 974, C replaced by T.
Protein change: p.Ala325Val; replaces alanine 325 with valine.
Molecular consequence: missense variant. On other transcripts: non-coding transcript variant (1).
Genome position (GRCh38, 1-based): chr11:9,193,657, G>A on the plus strand (C>T on the coding strand, the complement: DENND5A is on the minus strand). VCF-style: chr11-9193657-G-A. GRCh37 (hg19) VCF-style: chr11-9215204-G-A.
Other names: c.974C>T, p.Ala325Val (NM_001243254.2, NM_001348748.1); c.902C>T, p.Ala301Val (NM_001348749.2); c.686C>T, p.Ala229Val (NM_001348750.2); short protein forms A229V, A301V, A325V.
Identifiers: ClinVar variation 1939443 (VCV001939443.5), dbSNP rs760981468, ClinGen allele CA5877702.

ClinVar aggregate classification (germline): Uncertain significance (1 of 4 stars; one submission).

Allele frequency attached by ClinVar (database versions not stated): ExAC 0.00001.
gnomAD v4.1: 4 of 1,612,922 alleles (0.00025%); highest among the groups gnomAD compares: South Asian, 0.0011%; no homozygotes.

Submission:

Labcorp Genetics (formerly Invitae), Labcorp
Classification: Uncertain significance. Last evaluated: 2022-06-27. Review status: criteria provided, single submitter. Criteria: Invitae Variant Classification Sherloc (09022015). Collection method: clinical testing. Allele origin: germline.
Comment: This sequence change replaces alanine, which is neutral and non-polar, with valine, which is neutral and non-polar, at codon 325 of the DENND5A protein (p.Ala325Val). In summary, the available evidence is currently insufficient to determine the role of this variant in disease. Therefore, it has been classified as a Variant of Uncertain Significance. Algorithms developed to predict the effect of missense changes on protein structure and function are either unavailable or do not agree on the potential impact of this missense change (SIFT: "Tolerated"; PolyPhen-2: "Probably Damaging"; Align-GVGD: "Class C0"). This variant has not been reported in the literature in individuals affected with DENND5A-related conditions. This variant is present in population databases (rs760981468, gnomAD 0.009%).